The following is an entry in ClinVar:

ClinVar aggregate classification (germline): Uncertain significance. Review status: criteria provided, multiple submitters, no conflicts (2 of 4 stars). 2 submissions from 2 submitters: Uncertain significance (2). Last evaluated 2022-09-23.

Allele frequency attached by ClinVar (database versions not stated): ExAC 0.00002; gnomAD 0.00002 and 0.00003; gnomAD exomes 0.00002; TOPMed 0.00002; ESP Exome Variant Server 0.00008; 1000 Genomes Project 30x 0.00016; 1000 Genomes Project 0.00020.
gnomAD v4.1: 40 of 1,614,140 alleles (0.0025%); highest among the groups gnomAD compares: South Asian, 0.0077%; no homozygotes.

Submissions (2):

Labcorp Genetics (formerly Invitae), Labcorp
Classification: Uncertain significance. Last evaluated: 2022-09-23. Review status: criteria provided, single submitter. Criteria: Invitae Variant Classification Sherloc (09022015). Collection method: clinical testing. Allele origin: germline.
Comment: This sequence change replaces arginine, which is basic and polar, with glutamine, which is neutral and polar, at codon 235 of the CYP7A1 protein (p.Arg235Gln). This variant is present in population databases (rs141299456, gnomAD 0.006%). This variant has not been reported in the literature in individuals affected with CYP7A1-related conditions. ClinVar contains an entry for this variant (Variation ID: 595981). Advanced modeling of protein sequence and biophysical properties (such as structural, functional, and spatial information, amino acid conservation, physicochemical variation, residue mobility, and thermodynamic stability) performed at Invitae indicates that this missense variant is not expected to disrupt CYP7A1 protein function. Algorithms developed to predict the effect of sequence changes on RNA splicing suggest that this variant may create or strengthen a splice site. In summary, the available evidence is currently insufficient to determine the role of this variant in disease. Therefore, it has been classified as a Variant of Uncertain Significance.

Eurofins Ntd Llc (ga)
Classification: Uncertain significance. Last evaluated: 2018-02-06. Review status: criteria provided, single submitter. Criteria: EGL Classification Definitions 2015. Collection method: clinical testing. Allele origin: germline. Observed: 1 variant allele, 1 heterozygote.

NM_000780.4(CYP7A1):c.704G>A (p.Arg235Gln)

Gene: CYP7A1 (cytochrome P450 family 7 subfamily A member 1; minus strand). Cytogenetic location: 8q12.1.
Variant type: single nucleotide variant.
Coding change: c.704G>A on transcript NM_000780.4 (MANE Select); coding-DNA position 704, G replaced by A.
Protein change: p.Arg235Gln; replaces arginine 235 with glutamine.
Molecular consequence: missense variant.
Genome position (GRCh38, 1-based): chr8:58,496,808, C>T on the plus strand (G>A on the coding strand, the complement: CYP7A1 is on the minus strand). VCF-style: chr8-58496808-C-T. GRCh37 (hg19) VCF-style: chr8-59409367-C-T.
Other names: short protein forms R235Q.
Identifiers: ClinVar variation 595981 (VCV000595981.9), dbSNP rs141299456, ClinGen allele CA4756753.
Genomic context (GRCh38, chr8:58,496,808, plus strand): 5'-TCTGAGATGCTTTCCCTCTTTTGGAGGTTCTCGTGCCTCAAGCTCTCTGCCAGTTTCTCC[C>T]GGGCATTGTGCGCAGTCCTGAACATGTGAATGGGGAGGCCTGCTACCAGGGCTGGAAAGA-3'
Protein context (NP_000771.2, residues 225-245): IHMFRTAHNA[Arg235Gln]EKLAESLRHE